The following is an entry in ClinVar:

NM_000051.4(ATM):c.434_444del (p.Leu145fs)

Gene: ATM (ATM serine/threonine kinase; plus strand). Cytogenetic location: 11q22.3.
Variant type: Deletion.
Coding change: c.434_444del on transcript NM_000051.4 (MANE Select); coding-DNA positions 434 to 444, 11 bases deleted (TACTCAAAGAC).
Protein change: p.Leu145fs; shifts the reading frame from leucine 145.
Molecular consequence: frameshift variant.
Genome position (GRCh38, 1-based): chr11:108,235,772-108,235,782, TACTCAAAGAC deleted; deleting any 11 consecutive bases within chr11:108,235,770-108,235,782 gives the same sequence; the c. name uses the placement nearest the transcript's 3' end. VCF-style (leftmost placement, unchanged base first): chr11-108235769-TACTACTCAAAG-T. GRCh37 (hg19) VCF-style: chr11-108106496-TACTACTCAAAG-T.
Other names: c.434_444delTACTCAAAGAC, p.Leu145Hisfs (NM_000051.3); c.434_444del, p.Leu145fs (NM_001351834.2); c.434_444del (NM_000051.3); short protein forms L145fs.
Identifiers: ClinVar variation 2710102 (VCV002710102.5), dbSNP rs2497020016, ClinGen allele CA2697548973.

ClinVar aggregate classification (germline): Pathogenic/Likely pathogenic. Review status: criteria provided, multiple submitters, no conflicts (2 of 4 stars). 3 submissions from 3 submitters: Pathogenic (2); Likely pathogenic (1). Last evaluated 2024-10-17.

Conditions:
Familial cancer of breast. Also called: BREAST CANCER, FAMILIAL; Hereditary breast cancer; hereditary breast carcinoma. Identifiers: Orphanet 227535, MedGen C0346153, MONDO:0016419, OMIM 114480. Disease mechanism: loss of function.
Ataxia-telangiectasia syndrome (AT). Also called: ATAXIA-TELANGIECTASIA, COMPLEMENTATION GROUP A; ATAXIA-TELANGIECTASIA, FRESNO VARIANT; Ataxia-telangiectasia, complementation group D; LOUIS-BAR SYNDROME; AT, COMPLEMENTATION GROUP C; Ataxia-telangiectasia. Identifiers: Orphanet 100, MedGen C0004135, MONDO:0008840, OMIM 208900.

Submissions (3):

Myriad Genetics, Inc.
Classification: Pathogenic for Familial cancer of breast. Last evaluated: 2024-10-17. Review status: criteria provided, single submitter. Criteria: Myriad Autosomal Dominant, Autosomal Recessive and X-Linked Classification Criteria (2023). Collection method: clinical testing. Allele origin: unknown.
Comment: This variant is considered pathogenic. This variant creates a frameshift predicted to result in premature protein truncation.

Labcorp Genetics (formerly Invitae), Labcorp
Classification: Pathogenic for Ataxia-telangiectasia syndrome. Last evaluated: 2024-07-22. Review status: criteria provided, single submitter. Criteria: Invitae Variant Classification Sherloc (09022015). Collection method: clinical testing. Allele origin: germline.
Comment: This sequence change creates a premature translational stop signal (p.Leu145Hisfs*10) in the ATM gene. It is expected to result in an absent or disrupted protein product. Loss-of-function variants in ATM are known to be pathogenic (PMID: 23807571, 25614872). This variant is not present in population databases (gnomAD no frequency). This variant has not been reported in the literature in individuals affected with ATM-related conditions. For these reasons, this variant has been classified as Pathogenic.

Quest Diagnostics Nichols Institute San Juan Capistrano
Classification: Likely pathogenic. Last evaluated: 2024-05-01. Review status: criteria provided, single submitter. Criteria: Quest Diagnostics criteria. Collection method: clinical testing. Allele origin: unknown.
Comment: The ATM c.434_444del (p.Leu145Hisfs*10) variant alters the translational reading frame of the ATM mRNA and is predicted to cause the premature termination of ATM protein synthesis. This variant has not been reported in individuals with ATM-related conditions in the published literature. This variant has not been reported in large, multi-ethnic general populations (Genome Aggregation Database). Based on the available information, this variant is classified as likely pathogenic.

Literature cited by the submitters: PubMed 23807571 (cited by Labcorp Genetics (formerly Invitae), Labcorp); PubMed 25614872 (cited by Labcorp Genetics (formerly Invitae), Labcorp).